The following is an entry in ClinVar:

ClinVar aggregate classification (germline): Uncertain significance. Review status: criteria provided, multiple submitters, no conflicts (2 of 4 stars). 2 submissions from 2 submitters: Uncertain significance (2). Last evaluated 2025-12-31.

Conditions:
Adams-Oliver syndrome 5 (AOS5). Identifiers: Orphanet 974, MedGen C4014970, MONDO:0014459, OMIM 616028.
Familial thoracic aortic aneurysm and aortic dissection (TAAD). Also called: Thoracic aortic aneurysms and dissections. Identifiers: Orphanet 91387, MedGen C4707243, MONDO:0019625.

Allele frequency attached by ClinVar (database versions not stated): gnomAD 0.00001; TOPMed 0.00001.

Submissions (2):

Labcorp Genetics (formerly Invitae), Labcorp
Classification: Uncertain significance for Adams-Oliver syndrome 5. Last evaluated: 2025-12-31. Review status: criteria provided, single submitter. Criteria: Invitae Variant Classification Sherloc (09022015). Collection method: clinical testing. Allele origin: germline.
Comment: This sequence change replaces asparagine, which is neutral and polar, with lysine, which is basic and polar, at codon 886 of the NOTCH1 protein (p.Asn886Lys). This variant is not present in population databases (gnomAD no frequency). This variant has not been reported in the literature in individuals affected with NOTCH1-related conditions. ClinVar contains an entry for this variant (Variation ID: 1794402). An algorithm developed to predict the effect of missense changes on protein structure and function (PolyPhen-2) suggests that this variant is likely to be disruptive. In summary, the available evidence is currently insufficient to determine the role of this variant in disease. Therefore, it has been classified as a Variant of Uncertain Significance.

Ambry Genetics
Classification: Uncertain significance for Familial thoracic aortic aneurysm and aortic dissection. Last evaluated: 2024-02-06. Review status: criteria provided, single submitter. Criteria: Ambry Variant Classification Scheme 2023. Collection method: clinical testing. Allele origin: germline.
Comment: The p.N886K variant (also known as c.2658C>A), located in coding exon 17 of the NOTCH1 gene, results from a C to A substitution at nucleotide position 2658. The asparagine at codon 886 is replaced by lysine, an amino acid with similar properties. This amino acid position is conserved. In addition, the in silico prediction for this alteration is inconclusive. Since supporting evidence is limited at this time, the clinical significance of this alteration remains unclear.

NM_017617.5(NOTCH1):c.2658C>A (p.Asn886Lys)

Gene: NOTCH1 (notch receptor 1; minus strand). Cytogenetic location: 9q34.3.
Variant type: single nucleotide variant.
Coding change: c.2658C>A on transcript NM_017617.5 (MANE Select); coding-DNA position 2658, C replaced by A.
Protein change: p.Asn886Lys; replaces asparagine 886 with lysine.
Molecular consequence: missense variant.
Genome position (GRCh38, 1-based): chr9:136,510,735, G>T on the plus strand (C>A on the coding strand, the complement: NOTCH1 is on the minus strand). VCF-style: chr9-136510735-G-T. GRCh37 (hg19) VCF-style: chr9-139405187-G-T.
Other names: short protein forms N886K.
Identifiers: ClinVar variation 1794402 (VCV001794402.3), dbSNP rs1237694934, ClinGen allele CA375554929.